The following is an entry in ClinVar:

ClinVar aggregate classification (germline): Pathogenic/Likely pathogenic. Review status: criteria provided, multiple submitters, no conflicts (2 of 4 stars). 4 submissions from 4 submitters: Pathogenic (1); Likely pathogenic (2). 1 of the submissions does not count toward it. Last evaluated 2025-11-08.

Conditions:
Charcot-Marie-Tooth Neuropathy X. Identifiers: MedGen CN118851.
Charcot-Marie-Tooth disease. Also called: Charcot-Marie-Tooth Hereditary Neuropathy; Charcot-Marie-Tooth Neuropathy. Identifiers: Orphanet 166, MedGen C0007959, MONDO:0015626.

Submissions (4):

Labcorp Genetics (formerly Invitae), Labcorp
Classification: Pathogenic for Charcot-Marie-Tooth Neuropathy X. Last evaluated: 2025-11-08. Review status: criteria provided, single submitter. Criteria: Invitae Variant Classification Sherloc (09022015). Collection method: clinical testing. Allele origin: germline.
Comment: This sequence change replaces phenylalanine, which is neutral and non-polar, with leucine, which is neutral and non-polar, at codon 180 of the GJB1 protein (p.Phe180Leu). This variant is not present in population databases (gnomAD no frequency). This missense change has been observed in individuals with Charcot-Marie-Tooth disease (PMID: 16922730, 28448691; external communication, internal data). It has also been observed to segregate with disease in related individuals. ClinVar contains an entry for this variant (Variation ID: 578250). Invitae Evidence Modeling of protein sequence and biophysical properties (such as structural, functional, and spatial information, amino acid conservation, physicochemical variation, residue mobility, and thermodynamic stability) indicates that this missense variant is expected to disrupt GJB1 protein function with a positive predictive value of 95%. This variant disrupts the p.Phe180 amino acid residue in GJB1. Other variant(s) that disrupt this residue have been observed in individuals with GJB1-related conditions (PMID: 10873293), which suggests that this may be a clinically significant amino acid residue. For these reasons, this variant has been classified as Pathogenic.

GeneDx
Classification: Likely pathogenic. Last evaluated: 2023-05-25. Review status: criteria provided, single submitter. Criteria: GeneDx Variant Classification Process June 2021. Collection method: clinical testing. Allele origin: germline. Affected: yes.
Comment: A different nucleotide change resulting in the same missense variant (c.538 T>C p.F180L) has been reported in association with CMTX1 in published literature (Park et al., 2006); Not observed at significant frequency in large population cohorts (gnomAD); Missense variants in this gene are often considered pathogenic (HGMD); In silico analysis supports that this missense variant has a deleterious effect on protein structure/function; Has not been previously published as pathogenic or benign to our knowledge; This variant is associated with the following publications: (PMID: 16922730)

Athena Diagnostics
Classification: Likely pathogenic. Last evaluated: 2019-05-22. Review status: criteria provided, single submitter. Criteria: Athena Diagnostics Criteria. Collection method: clinical testing. Allele origin: germline.
Comment: Not found in the total gnomAD dataset, and the data is high quality (0/195627 chr). Found in at least one symptomatic patient. Predicted to have a damaging effect on the protein. Located in a likely critical domain of the protein.

Inherited Neuropathy Consortium
Classification: Uncertain significance for Charcot-Marie-Tooth disease. Review status: no assertion criteria provided. Collection method: literature only. Allele origin: germline. Affected: yes. Not counted in ClinVar's aggregate classification.

Literature cited by the submitters: PubMed 16922730 (cited by 3 submitters); PubMed 28448691 (cited by Labcorp Genetics (formerly Invitae), Labcorp); PubMed 10873293 (cited by Labcorp Genetics (formerly Invitae), Labcorp).

NM_000166.6(GJB1):c.540C>G (p.Phe180Leu)

Gene: GJB1 (gap junction protein beta 1; plus strand). Cytogenetic location: Xq13.1.
Variant type: single nucleotide variant.
Coding change: c.540C>G on transcript NM_000166.6 (MANE Select); coding-DNA position 540, C replaced by G.
Protein change: p.Phe180Leu; replaces phenylalanine 180 with leucine.
Molecular consequence: missense variant.
Genome position (GRCh38, 1-based): chrX:71,224,247, C>G. VCF-style: chrX-71224247-C-G. GRCh37 (hg19) VCF-style: chrX-70444097-C-G.
Other names: c.540C>G, p.Phe180Leu (NM_001097642.3); short protein forms F180L.
Identifiers: ClinVar variation 578250 (VCV000578250.9), dbSNP rs771022595, ClinGen allele CA413503066.